The following is an entry in ClinVar:

NM_001286.5(CLCN6):c.1168T>A (p.Phe390Ile)

Gene: CLCN6 (chloride voltage-gated channel 6; plus strand). Cytogenetic location: 1p36.22.
Variant type: single nucleotide variant.
Coding change: c.1168T>A on transcript NM_001286.5 (MANE Select); coding-DNA position 1168, T replaced by A.
Protein change: p.Phe390Ile; replaces phenylalanine 390 with isoleucine.
Molecular consequence: missense variant. On other transcripts: non-coding transcript variant (1).
Genome position (GRCh38, 1-based): chr1:11,829,242, T>A. VCF-style: chr1-11829242-T-A. GRCh37 (hg19) VCF-style: chr1-11889299-T-A.
Other names: c.1102T>A, p.Phe368Ile (NM_001256959.2); short protein forms F368I, F390I.
Identifiers: ClinVar variation 1406090 (VCV001406090.6), dbSNP rs773641061, ClinGen allele CA596378.

ClinVar aggregate classification (germline): Uncertain significance (1 of 4 stars; one submission).

gnomAD v4.1: 2 of 1,614,088 alleles (0.00012%); highest among the groups gnomAD compares: Admixed American, 0.0033%; no homozygotes.

Submission:

Labcorp Genetics (formerly Invitae), Labcorp
Classification: Uncertain significance. Last evaluated: 2024-05-15. Review status: criteria provided, single submitter. Criteria: Invitae Variant Classification Sherloc (09022015). Collection method: clinical testing. Allele origin: germline.
Comment: This sequence change replaces phenylalanine, which is neutral and non-polar, with isoleucine, which is neutral and non-polar, at codon 390 of the CLCN6 protein (p.Phe390Ile). This variant is present in population databases (rs773641061, gnomAD 0.006%). This variant has not been reported in the literature in individuals affected with CLCN6-related conditions. ClinVar contains an entry for this variant (Variation ID: 1406090). An algorithm developed to predict the effect of missense changes on protein structure and function (PolyPhen-2) suggests that this variant is likely to be disruptive. In summary, the available evidence is currently insufficient to determine the role of this variant in disease. Therefore, it has been classified as a Variant of Uncertain Significance.